The following is an entry in ClinVar:

ClinVar aggregate classification (germline): Pathogenic (1 of 4 stars; one submission).

Conditions:
Hereditary cancer-predisposing syndrome. Also called: Hereditary Cancer Syndrome; Neoplastic Syndromes, Hereditary; Hereditary neoplastic syndrome; Tumor predisposition. Identifiers: Orphanet 140162, MedGen C0027672, MeSH D009386, MONDO:0015356.

Submission:

Ambry Genetics
Classification: Pathogenic for Hereditary cancer-predisposing syndrome. Last evaluated: 2017-02-23. Review status: criteria provided, single submitter. Criteria: Ambry Variant Classification Scheme 2023. Collection method: clinical testing. Allele origin: germline.
Comment: The c.497_500dupACCT pathogenic mutation, located in coding exon 4 of the STK11 gene, results from a duplication of ACCT at nucleotide position 497, causing a translational frameshift with a predicted alternate stop codon (p.H168Pfs*3). This alteration is expected to result in loss of function by premature protein truncation or nonsense-mediated mRNA decay. As such, this alteration is interpreted as a disease-causing mutation.

NM_000455.5(STK11):c.497_500dup (p.His168fs)

Gene: STK11 (serine/threonine kinase 11; plus strand). Cytogenetic location: 19p13.3.
Variant type: Duplication.
Coding change: c.497_500dup on transcript NM_000455.5 (MANE Select); coding-DNA positions 497 to 500, 4 bases duplicated (ACCT; older notation c.497_500dupACCT).
Protein change: p.His168fs; shifts the reading frame from histidine 168.
Molecular consequence: frameshift variant.
Genome position (GRCh38, 1-based): chr19:1,220,405-1,220,408, ACCT duplicated; duplicating any 4 consecutive bases within chr19:1,220,404-1,220,408 gives the same sequence; the c. name uses the placement nearest the transcript's 3' end. VCF-style (leftmost placement, unchanged base first): chr19-1220403-G-GTACC. GRCh37 (hg19) VCF-style: chr19-1220402-G-GTACC.
Other names: c.497_500dupACCT (NM_000455.4); short protein forms H168fs.
Identifiers: ClinVar variation 428758 (VCV000428758.5), dbSNP rs1131690922, ClinGen allele CA645369764.